The following is an entry in ClinVar:

NM_000044.6(AR):c.1370GCG[23] (p.Gly473_Glu474insGlyGlyGlyGlyGlyGly)

Gene: AR (androgen receptor; plus strand). Cytogenetic location: Xq12.
Variant type: Microsatellite.
Coding change: c.1370GCG[23] on transcript NM_000044.6 (MANE Select); 23 copies in a row of the 3-base unit GCG starting at c.1370; the reference has 17 copies in a row; six copies, 18 bases duplicated.
Protein change: p.Gly473_Glu474insGlyGlyGlyGlyGlyGly.
Molecular consequence: inframe insertion. On other transcripts: 5 prime UTR variant (1).
Genome position (GRCh38, 1-based): chrX:67,546,549-67,546,566, GCGGCGGCGGCGGCGGCG duplicated; duplicating any 18 consecutive bases within chrX:67,546,515-67,546,566 gives the same sequence; the position shown is the placement nearest the transcript's 3' end. VCF-style (leftmost placement, unchanged base first): chrX-67546514-T-TGGCGGCGGCGGCGGCGGC. GRCh37 (hg19) VCF-style: chrX-66766356-T-TGGCGGCGGCGGCGGCGGC.
Other names: c.-414GCG[23] (NM_001011645.3); c.1370GCG[23], p.Gly473_Glu474insGlyGlyGlyGlyGlyGly (NM_001348061.1, NM_001348063.1, NM_001348064.1).
Identifiers: ClinVar variation 3356339 (VCV003356339.2).
Genomic context (GRCh38, chrX:67,546,514, plus strand): 5'-CACTCTCTTCACAGCCGAAGAAGGCCAGTTGTATGGACCGTGTGGTGGTGGTGGGGGTGG[T>TGGCGGCGGCGGCGGCGGC]GGCGGCGGCGGCGGCGGCGGCGGCGGCGGCGGCGGCGGCGGCGGCGGCGGCGAGGCGGGA-3'

ClinVar aggregate classification (germline): Likely benign (1 of 4 stars; one submission).

Conditions:
AR-related disorder. Also called: AR-related condition.

Submission:

PreventionGenetics, part of Exact Sciences
Classification: Likely benign for AR-related condition. Last evaluated: 2025-07-17. Review status: criteria provided, single submitter. Criteria: ACMG Guidelines, 2015. Collection method: clinical testing. Allele origin: germline.
Comment: This variant is classified as likely benign based on ACMG/AMP sequence variant interpretation guidelines (Richards et al. 2015 PMID: 25741868, with internal and published modifications).